The following is an entry in ClinVar:

ClinVar aggregate classification (germline): Uncertain significance (1 of 4 stars; one submission).

Conditions:
ATP11A-related disorder. Also called: ATP11A-related condition.

gnomAD v4.1: 1 of 1,614,102 alleles (0.000062%); highest among the groups gnomAD compares: African/African-American, 0.0013%; no homozygotes.

Submission:

PreventionGenetics, part of Exact Sciences
Classification: Uncertain significance for ATP11A-related condition. Last evaluated: 2026-01-11. Review status: criteria provided, single submitter. Criteria: ACMG Guidelines, 2015. Collection method: clinical testing. Allele origin: germline.
Comment: The ATP11A c.2464G>A variant is predicted to result in the amino acid substitution p.Ala822Thr. To our knowledge, this variant has not been reported in the literature or in a large population database (gnomAD), indicating this variant is rare. At this time, the clinical significance of this variant is uncertain due to the absence of conclusive functional and genetic evidence.

NM_015205.3(ATP11A):c.2464G>A (p.Ala822Thr)

Gene: ATP11A (ATPase phospholipid transporting 11A; plus strand). Cytogenetic location: 13q34.
Variant type: single nucleotide variant.
Coding change: c.2464G>A on transcript NM_015205.3 (MANE Select); coding-DNA position 2464, G replaced by A.
Protein change: p.Ala822Thr; replaces alanine 822 with threonine.
Molecular consequence: missense variant.
Genome position (GRCh38, 1-based): chr13:112,857,863, G>A. VCF-style: chr13-112857863-G-A. GRCh37 (hg19) VCF-style: chr13-113512177-G-A.
Other names: c.2464G>A, p.Ala822Thr (NM_001405661.1, NM_001405662.1, NM_001405663.1 and 1 more transcripts); short protein forms A822T.
Identifiers: ClinVar variation 4994644 (VCV004994644.1).